The following is an entry in ClinVar:

ClinVar aggregate classification (germline): Uncertain significance (1 of 4 stars; one submission).

Conditions:
Neurofibromatosis, type 2 (SWNV). Also called: BILATERAL ACOUSTIC NEUROFIBROMATOSIS; SCHWANNOMATOSIS, VESTIBULAR; NF2-Related Schwannomatosis. Identifiers: Orphanet 637, MedGen C0027832, MONDO:0007039, OMIM 101000. Disease mechanism: loss of function.

Submission:

Labcorp Genetics (formerly Invitae), Labcorp
Classification: Uncertain significance for Neurofibromatosis, type 2. Last evaluated: 2022-03-25. Review status: criteria provided, single submitter. Criteria: Invitae Variant Classification Sherloc (09022015). Collection method: clinical testing. Allele origin: germline.
Comment: In summary, the available evidence is currently insufficient to determine the role of this variant in disease. Therefore, it has been classified as a Variant of Uncertain Significance. Algorithms developed to predict the effect of missense changes on protein structure and function are either unavailable or do not agree on the potential impact of this missense change (SIFT: "Deleterious"; PolyPhen-2: "Benign"; Align-GVGD: "Class C25"). ClinVar contains an entry for this variant (Variation ID: 857538). This variant has not been reported in the literature in individuals affected with NF2-related conditions. This variant is not present in population databases (gnomAD no frequency). This sequence change replaces asparagine, which is neutral and polar, with threonine, which is neutral and polar, at codon 104 of the NF2 protein (p.Asn104Thr).

NM_000268.4(NF2):c.311A>C (p.Asn104Thr)

Gene: NF2 (NF2, moesin-ezrin-radixin like (MERLIN) tumor suppressor; plus strand). Cytogenetic location: 22q12.2.
Variant type: single nucleotide variant.
Coding change: c.311A>C on transcript NM_000268.4 (MANE Select); coding-DNA position 311, A replaced by C.
Protein change: p.Asn104Thr; replaces asparagine 104 with threonine.
Molecular consequence: missense variant. On other transcripts: non-coding transcript variant (1), intron variant (3).
Genome position (GRCh38, 1-based): chr22:29,639,160, A>C. VCF-style: chr22-29639160-A-C. GRCh37 (hg19) VCF-style: chr22-30035149-A-C.
Other names: c.311A>C, p.Asn104Thr (NM_016418.5, NM_181825.3, NM_181832.3 and 1 more transcripts); c.185A>C, p.Asn62Thr (NM_181828.3); c.240+2284A>C (NM_181829.3); c.115-3042A>C (NM_181830.3, NM_181831.3); short protein forms N62T, N104T.
Identifiers: ClinVar variation 857538 (VCV000857538.10), dbSNP rs2065731005, ClinGen allele CA411153277.